The following is an entry in ClinVar:

NM_002303.6(LEPR):c.2674-5979G>T

Gene: LEPR (leptin receptor; plus strand). Cytogenetic location: 1p31.3.
Variant type: single nucleotide variant.
Coding change: c.2674-5979G>T on transcript NM_002303.6 (MANE Select); 5979 bases into the intron before coding-DNA position 2674, G replaced by T.
Molecular consequence: intron variant. On other transcripts: missense variant (2).
Genome position (GRCh38, 1-based): chr1:65,630,212, G>T. VCF-style: chr1-65630212-G-T. GRCh37 (hg19) VCF-style: chr1-66095895-G-T.
Other names: c.2684G>T, p.Gly895Val (NM_001003680.3, NM_001198687.2); c.2674-2940G>T (NM_001003679.3, NM_001198689.2); short protein forms G895V.
Identifiers: ClinVar variation 5000831 (VCV005000831.1).

ClinVar aggregate classification (germline): Uncertain significance (1 of 4 stars; one submission).

Conditions:
LEPR-related disorder. Also called: LEPR-related disorders; LEPR-related condition.

Submission:

PreventionGenetics, part of Exact Sciences
Classification: Uncertain significance for LEPR-related condition. Last evaluated: 2025-04-23. Review status: criteria provided, single submitter. Criteria: ACMG Guidelines, 2015. Collection method: clinical testing. Allele origin: germline.
Comment: The LEPR c.2684G>T variant is predicted to result in the amino acid substitution p.Gly895Val. To our knowledge, this variant has not been reported in the literature or in a large population database (gnomAD), indicating this variant is rare. At this time, the clinical significance of this variant is uncertain due to the absence of conclusive functional and genetic evidence.